The following is an entry in ClinVar:

NM_024408.4(NOTCH2):c.7027C>A (p.Pro2343Thr)

Gene: NOTCH2 (notch receptor 2; minus strand). Cytogenetic location: 1p12.
Variant type: single nucleotide variant.
Coding change: c.7027C>A on transcript NM_024408.4 (MANE Select); coding-DNA position 7027, C replaced by A.
Protein change: p.Pro2343Thr; replaces proline 2343 with threonine.
Molecular consequence: missense variant.
Genome position (GRCh38, 1-based): chr1:119,915,695, G>T on the plus strand (C>A on the coding strand, the complement: NOTCH2 is on the minus strand). VCF-style: chr1-119915695-G-T. GRCh37 (hg19) VCF-style: chr1-120458318-G-T.
Other names: short protein forms P2343T.
Identifiers: ClinVar variation 3349381 (VCV003349381.2).

ClinVar aggregate classification (germline): Uncertain significance. Review status: criteria provided, single submitter (1 of 4 stars). 2 submissions from 2 submitters: Uncertain significance (1). 1 of the submissions does not count toward it. Last evaluated 2024-03-10.

Conditions:
NOTCH2-related disorder. Also called: NOTCH2-related condition.

gnomAD v4.1: 1 of 1,612,508 alleles (0.000062%); highest among the groups gnomAD compares: Admixed American, 0.0017%; no homozygotes.

Submissions (2):

GeneDx
Classification: Uncertain significance. Last evaluated: 2024-03-10. Review status: criteria provided, single submitter. Criteria: GeneDx Variant Classification Process June 2021. Collection method: clinical testing. Allele origin: germline. Affected: yes.
Comment: Not observed at significant frequency in large population cohorts (gnomAD); In silico analysis supports that this missense variant does not alter protein structure/function; Has not been previously published as pathogenic or benign to our knowledge

PreventionGenetics, part of Exact Sciences
Classification: Uncertain significance for NOTCH2-related condition. Last evaluated: 2024-03-11. Review status: no assertion criteria provided. Collection method: clinical testing. Allele origin: germline. Not counted in ClinVar's aggregate classification.
Comment: The NOTCH2 c.7027C>A variant is predicted to result in the amino acid substitution p.Pro2343Thr. To our knowledge, this variant has not been reported in the literature or in a large population database, indicating this variant is rare. At this time, the clinical significance of this variant is uncertain due to the absence of conclusive functional and genetic evidence.